The following is an entry in ClinVar:

ClinVar aggregate classification (germline): Uncertain significance. Review status: criteria provided, multiple submitters, no conflicts (2 of 4 stars). 2 submissions from 2 submitters: Uncertain significance (2). Last evaluated 2025-11-26.

Conditions:
Inborn genetic diseases. Identifiers: MedGen C0950123, MeSH D030342.
Imerslund-Grasbeck syndrome. Also called: ENTEROCYTE COBALAMIN MALABSORPTION; ENTEROCYTE INTRINSIC FACTOR RECEPTOR, DEFECT OF; PERNICIOUS ANEMIA, JUVENILE, DUE TO SELECTIVE INTESTINAL MALABSORPTION OF VITAMIN B12, WITH PROTEINURIA; Imerslund-Gräsbeck syndrome; Megaloblastic anemia due to inborn errors of metabolism. Identifiers: Orphanet 35858, MedGen C4551825, MONDO:0009853.

gnomAD v4.1: 3 of 1,609,484 alleles (0.00019%); highest among the groups gnomAD compares: Non-Finnish European, 0.00017%; no homozygotes.

Submissions (2):

Ambry Genetics
Classification: Uncertain significance for Inborn genetic diseases. Last evaluated: 2025-11-26. Review status: criteria provided, single submitter. Criteria: Ambry Variant Classification Scheme 2023. Collection method: clinical testing. Allele origin: germline.

Labcorp Genetics (formerly Invitae), Labcorp
Classification: Uncertain significance for Imerslund-Grasbeck syndrome. Last evaluated: 2024-08-12. Review status: criteria provided, single submitter. Criteria: Invitae Variant Classification Sherloc (09022015). Collection method: clinical testing. Allele origin: germline.
Comment: This sequence change replaces valine, which is neutral and non-polar, with methionine, which is neutral and non-polar, at codon 90 of the AMN protein (p.Val90Met). This variant is not present in population databases (gnomAD no frequency). This variant has not been reported in the literature in individuals affected with AMN-related conditions. ClinVar contains an entry for this variant (Variation ID: 2153550). Advanced modeling of protein sequence and biophysical properties (such as structural, functional, and spatial information, amino acid conservation, physicochemical variation, residue mobility, and thermodynamic stability) performed at Invitae indicates that this missense variant is not expected to disrupt AMN protein function with a negative predictive value of 80%. In summary, the available evidence is currently insufficient to determine the role of this variant in disease. Therefore, it has been classified as a Variant of Uncertain Significance.

NM_030943.4(AMN):c.268G>A (p.Val90Met)

Genes: AMN (amnion associated transmembrane protein; plus strand), LOC130056553 (ATAC-STARR-seq lymphoblastoid silent region 6135; plus strand). Cytogenetic location: 14q32.32.
Variant type: single nucleotide variant.
Coding change: c.268G>A on transcript NM_030943.4 (MANE Select); coding-DNA position 268, G replaced by A.
Protein change: p.Val90Met; replaces valine 90 with methionine.
Molecular consequence: missense variant.
Genome position (GRCh38, 1-based): chr14:102,928,486, G>A. VCF-style: chr14-102928486-G-A. GRCh37 (hg19) VCF-style: chr14-103394823-G-A.
Other names: short protein forms V90M.
Identifiers: ClinVar variation 2153550 (VCV002153550.4), dbSNP rs982922624, ClinGen allele CA391080141.
Genomic context (GRCh38, chr14:102,928,486, plus strand): 5'-CTCCTGCCGCTGGATGGGGAACTCGTCCTGGCTTCAGGAGCCGGATTCGGCGTCTCAGAC[G>A]TGGGCTCGCACCTGGACTGTGGCGCGGGTGAGGCGGTCGGGCAGGGGCGGGGCTCTGGAA-3'
Protein context (NP_112205.2, residues 80-100): ASGAGFGVSD[Val90Met]GSHLDCGAGE